The following is an entry in ClinVar:

NM_133448.3(TMEM132D):c.1199C>T (p.Thr400Met)

Gene: TMEM132D (transmembrane protein 132D; minus strand). Cytogenetic location: 12q24.33.
Variant type: single nucleotide variant.
Coding change: c.1199C>T on transcript NM_133448.3 (MANE Select); coding-DNA position 1199, C replaced by T.
Protein change: p.Thr400Met; replaces threonine 400 with methionine.
Molecular consequence: missense variant.
Genome position (GRCh38, 1-based): chr12:129,337,734, G>A on the plus strand (C>T on the coding strand, the complement: TMEM132D is on the minus strand). VCF-style: chr12-129337734-G-A. GRCh37 (hg19) VCF-style: chr12-129822279-G-A.
Other names: short protein forms T400M.
Identifiers: ClinVar variation 4840911 (VCV004840911.1).

ClinVar aggregate classification (germline): Uncertain significance (1 of 4 stars; one submission).

gnomAD v4.1: 1 of 1,614,194 alleles (0.000062%); highest among the groups gnomAD compares: South Asian, 0.0011%; no homozygotes.

Submission:

Ambry Genetics
Classification: Uncertain significance. Last evaluated: 2026-03-03. Review status: criteria provided, single submitter. Criteria: Ambry Variant Classification Scheme 2023. Collection method: clinical testing. Allele origin: germline.
Comment: The c.1199C>T (p.T400M) alteration is located in exon 4 (coding exon 4) of the TMEM132D gene. This alteration results from a C to T substitution at nucleotide position 1199, causing the threonine (T) at amino acid position 400 to be replaced by a methionine (M). Based on data from gnomAD, the T allele has an overall frequency of <0.001% (1/251248) total alleles studied. The highest observed frequency was 0.003% (1/30612) of South Asian alleles. Based on insufficient or conflicting evidence, the clinical significance of this alteration remains unclear.